The following is an entry in ClinVar:

ClinVar aggregate classification (germline): Pathogenic (1 of 4 stars; one submission).

Conditions:
Familial cancer of breast. Also called: Hereditary breast cancer; hereditary breast carcinoma; BREAST CANCER, FAMILIAL. Identifiers: Orphanet 227535, MedGen C0346153, MONDO:0016419, OMIM 114480. Disease mechanism: loss of function.

Submission:

Labcorp Genetics (formerly Invitae), Labcorp
Classification: Pathogenic for Familial cancer of breast. Last evaluated: 2020-10-06. Review status: criteria provided, single submitter. Criteria: Invitae Variant Classification Sherloc (09022015). Collection method: clinical testing. Allele origin: germline.
Comment: A gross deletion of the genomic region encompassing the full coding sequence of the BARD1 gene has been identified. The boundaries of this event are unknown as the deletion extends beyond the assayed region for this gene and therefore may encompass additional genes. A similar deletion has been observed in an individual affected with breast cancer (PMID: 20842729). Loss-of-function variants in BARD1 are known to be pathogenic (PMID: 20077502, 21344236). For these reasons, this variant has been classified as Pathogenic.

Literature cited by the submitters: PubMed 20842729; PubMed 20077502; PubMed 21344236.

NC_000002.11:g.(?_215590360)_(215674445_?)del

Gene: BARD1 (BRCA1 associated RING domain 1; minus strand). Cytogenetic location: 2q35.
Variant type: Deletion.
Identifiers: ClinVar variation 1073954 (VCV001073954.2).